The following is an entry in ClinVar:

ClinVar aggregate classification (germline): Uncertain significance (1 of 4 stars; one submission).

Conditions:
Progressive myoclonic epilepsy type 8. Identifiers: Orphanet 424027, MedGen C5190825, MONDO:0014545, OMIM 616230.

Allele frequency attached by ClinVar (database versions not stated): TOPMed below 0.00001; gnomAD exomes 0.00002.
gnomAD v4.1: 24 of 1,268,174 alleles (0.0019%); highest among the groups gnomAD compares: Non-Finnish European, 0.0024%; no homozygotes.

Submission:

Labcorp Genetics (formerly Invitae), Labcorp
Classification: Uncertain significance for Progressive myoclonic epilepsy type 8. Last evaluated: 2021-01-04. Review status: criteria provided, single submitter. Criteria: Invitae Variant Classification Sherloc (09022015). Collection method: clinical testing. Allele origin: germline.
Comment: This sequence change replaces leucine with methionine at codon 61 of the CERS1 protein (p.Leu61Met). The leucine residue is moderately conserved and there is a small physicochemical difference between leucine and methionine. While this variant is not present in population databases, the frequency information is unreliable, as metrics indicate poor data quality at this position in the ExAC database. This variant has not been reported in the literature in individuals with CERS1-related disease. Algorithms developed to predict the effect of missense changes on protein structure and function do not agree on the potential impact of this missense change (SIFT: "Tolerated"; PolyPhen-2: "Possibly Damaging"; Align-GVGD: "Class C0"). In summary, the available evidence is currently insufficient to determine the role of this variant in disease. Therefore, it has been classified as a Variant of Uncertain Significance.

NM_021267.5(CERS1):c.181C>A (p.Leu61Met)

Genes: CERS1 (ceramide synthase 1; minus strand), GDF1 (growth differentiation factor 1; minus strand). Cytogenetic location: 19p13.11.
Variant type: single nucleotide variant.
Coding change: c.181C>A on transcript NM_021267.5 (MANE Select); coding-DNA position 181, C replaced by A.
Protein change: p.Leu61Met; replaces leucine 61 with methionine.
Molecular consequence: missense variant. On other transcripts: 5 prime UTR variant (4), intron variant (3).
Genome position (GRCh38, 1-based): chr19:18,895,892, G>T on the plus strand (C>A on the coding strand, the complement: CERS1 is on the minus strand). VCF-style: chr19-18895892-G-T. GRCh37 (hg19) VCF-style: chr19-19006701-G-T.
Other names: c.181C>A, p.Leu61Met (NM_001387439.1, NM_001387440.1, NM_001387441.1 and 1 more transcripts); c.-348C>A (NM_001387444.1); c.-295C>A (NM_001387445.1); c.-722C>A (NM_001387438.1); c.-1142C>A (NM_001492.6); c.-46+834C>A (NM_001387443.1); c.-46+669C>A (NM_001387442.1, NM_001290265.2); short protein forms L61M.
Identifiers: ClinVar variation 566038 (VCV000566038.8), dbSNP rs1330389032, ClinGen allele CA404868396.
Genomic context (GRCh38, chr19:18,895,892, plus strand): 5'-GGCGCGCAGTGGCCGCGGAGCGCAGGGCGGTCCAGCCCAGCGCGCCGAGCGCCAGCAGCA[G>T]CAGCTCGGGCGGCGCCAGGTGCGCGTGCTCAGCCAGGCCGCGACGCGCCAGCCCCCAGCC-3'
Protein context (NP_067090.1, residues 51-71): EHAHLAPPEL[Leu61Met]LLALGALGWT